The following is an entry in ClinVar:

NM_000458.4(HNF1B):c.*37G>A

Gene: HNF1B (HNF1 homeobox B; minus strand). Cytogenetic location: 17q12.
Variant type: single nucleotide variant.
Coding change: c.*37G>A on transcript NM_000458.4 (MANE Select); 37 bases downstream of the stop codon, G replaced by A.
Molecular consequence: 3 prime UTR variant. On other transcripts: missense variant (1).
Genome position (GRCh38, 1-based): chr17:37,687,335, C>T on the plus strand (G>A on the coding strand, the complement: HNF1B is on the minus strand). VCF-style: chr17-37687335-C-T. GRCh37 (hg19) VCF-style: chr17-36047338-C-T.
Other names: c.*37G>A (NM_001165923.4); c.1319G>A, p.Gly440Glu (NM_001304286.2); short protein forms G440E.
Identifiers: ClinVar variation 438661 (VCV000438661.3), dbSNP rs1555818071, ClinGen allele CA398750158.
Genomic context (GRCh38, chr17:37,687,335, plus strand): 5'-TCAGGTCACTGGGCTTTTCCATGACAGCTGCCCAGAGGGTGATGGTGTGGAAAACAGGGT[C>T]CTTGTTGTTGCGCACGAAGTAAGTGGTGTGTGGGCATCACCAGGCTTGTAGAGGACACTG-3'

ClinVar aggregate classification (germline): Likely benign. Review status: criteria provided, single submitter (1 of 4 stars). 2 submissions from 2 submitters: Likely benign (1). 1 of the submissions does not count toward it.

Conditions:
Maturity-onset diabetes of the young (MODY). Also called: Maturity onset diabetes mellitus in young. Identifiers: Orphanet 552, MedGen C0342276, MONDO:0018911, HP:0004904.
Type 2 diabetes mellitus. Also called: Type II diabetes mellitus. Identifiers: MedGen C0011860, MeSH D003924, MONDO:0005148, OMIM 125853, HP:0005978.

Allele frequency attached by ClinVar (database versions not stated): gnomAD exomes below 0.00001.
gnomAD v4.1: 1 of 1,614,040 alleles (0.000062%); highest among the groups gnomAD compares: South Asian, 0.0011%; no homozygotes.

Submissions (2):

Clinical Genomics, Uppaluri K&H Personalized Medicine Clinic
Classification: Likely benign for Maturity-onset diabetes of the young. Review status: criteria provided, single submitter. Criteria: K & H Uppaluri Personalized Medicine Clinic Variant Classification & Assertion Criteria_Updated V.1. Collection method: research. Allele origin: unknown. Inheritance: Autosomal dominant inheritance.
Comment: HNF1B gene mutations are associated with early onset diabetes and pancreatic atrophy. It is also associated with multiple renal manifestations including renal cysts, Tubulointerstitial disease, glomerulocystic disease, renal hypoplasia, hypomagnesemia. However no sufficient evidence is found to ascertain the role of this particular variant rs1555818071, yet.

Bioscientia Institut fuer Medizinische Diagnostik GmbH, Sonic Healthcare
Classification: Uncertain significance for Type 2 diabetes mellitus. Last evaluated: 2017-04-20. Review status: no assertion criteria provided. Collection method: clinical testing. Allele origin: germline. Affected: yes. Not counted in ClinVar's aggregate classification.

Literature cited by the submitters: PubMed 24897035 (cited by Clinical Genomics, Uppaluri K&H Personalized Medicine Clinic); PubMed 25536396 (cited by Clinical Genomics, Uppaluri K&H Personalized Medicine Clinic); PubMed 27615128 (cited by Clinical Genomics, Uppaluri K&H Personalized Medicine Clinic); PubMed 28215227 (cited by Clinical Genomics, Uppaluri K&H Personalized Medicine Clinic); PubMed 33434175 (cited by Clinical Genomics, Uppaluri K&H Personalized Medicine Clinic); PubMed 25741167 (cited by Clinical Genomics, Uppaluri K&H Personalized Medicine Clinic); PubMed 26340261 (cited by Clinical Genomics, Uppaluri K&H Personalized Medicine Clinic); PubMed 19639018 (cited by Clinical Genomics, Uppaluri K&H Personalized Medicine Clinic).